The following is an entry in ClinVar:

ClinVar aggregate classification (germline): Conflicting classifications of pathogenicity. Review status: criteria provided, conflicting classifications (1 of 4 stars). 5 submissions from 5 submitters: Uncertain significance (3); Likely benign (1). 1 of the submissions does not count toward it. Last evaluated 2025-05-07.

Conditions:
Joubert syndrome 1 (JBTS1). Also called: Cerebellooculorenal syndrome 1; CEREBELLOPARENCHYMAL DISORDER IV. Identifiers: MedGen C4551568, MONDO:0008944, OMIM 213300.
MORM syndrome (MORMS). Identifiers: Orphanet 75858, MedGen C1857802, MONDO:0012423, OMIM 610156.
Joubert syndrome. Also called: JOUBERT-BOLTSHAUSER SYNDROME; Familial aplasia of the vermis. Identifiers: Orphanet 475, MedGen C5979921, MONDO:0018772.

Allele frequency attached by ClinVar (database versions not stated): gnomAD 0.00002 and 0.00004; ExAC 0.00004; gnomAD exomes 0.00004 and 0.00008; 1000 Genomes Project 30x 0.00016.
gnomAD v4.1: 65 of 1,603,230 alleles (0.0041%); highest among the groups gnomAD compares: South Asian, 0.017%; no homozygotes.

Submissions (5):

3billion
Classification: Uncertain significance for Joubert syndrome 1. Last evaluated: 2025-05-07. Review status: criteria provided, single submitter. Criteria: ACMG Guidelines, 2015. Collection method: clinical testing. Allele origin: germline. Affected: yes.
Comment: The variant is observed at an extremely low frequency in the gnomAD v4.1.0 dataset (total allele frequency: 0.004%). Predicted Consequence/Location: Missense variant In silico tool predictions suggest damaging effect of the variant on gene or gene product [3Cnet: 0.77 (> 0.75, sensitivity 0.96 and precision 0.92)]. A different missense change at the same codon (p.Arg515Trp) has been reported as pathogenic/likely pathogenic with strong evidence (ClinVar ID: VCV000000397 /PMID: 27081510). Therefore, this variant is classified as VUS according to the recommendation of ACMG/AMP guideline.

Labcorp Genetics (formerly Invitae), Labcorp
Classification: Uncertain significance for Joubert syndrome. Last evaluated: 2024-10-25. Review status: criteria provided, single submitter. Criteria: Invitae Variant Classification Sherloc (09022015). Collection method: clinical testing. Allele origin: germline.
Comment: This sequence change replaces arginine, which is basic and polar, with glutamine, which is neutral and polar, at codon 515 of the INPP5E protein (p.Arg515Gln). This variant is present in population databases (rs752106876, gnomAD 0.05%). This variant has not been reported in the literature in individuals affected with INPP5E-related conditions. ClinVar contains an entry for this variant (Variation ID: 1063364). An algorithm developed to predict the effect of missense changes on protein structure and function outputs the following: PolyPhen-2: "Benign". The glutamine amino acid residue is found in multiple mammalian species, which suggests that this missense change does not adversely affect protein function. This variant disrupts the p.Arg515 amino acid residue in INPP5E. Other variant(s) that disrupt this residue have been determined to be pathogenic (PMID: 19668216, 27081510, 28559085; internal data). This suggests that this residue is clinically significant, and that variants that disrupt this residue are likely to be disease-causing. In summary, the available evidence is currently insufficient to determine the role of this variant in disease. Therefore, it has been classified as a Variant of Uncertain Significance.

Fulgent Genetics
Classification: Uncertain significance for Joubert syndrome 1; MORM syndrome. Last evaluated: 2024-04-24. Review status: criteria provided, single submitter. Criteria: ACMG Guidelines, 2015. Collection method: clinical testing. Allele origin: germline.

Blueprint Genetics
Classification: Likely benign. Last evaluated: 2022-06-27. Review status: criteria provided, single submitter. Criteria: ACMG Guidelines, 2015. Collection method: clinical testing. Allele origin: germline.

Genetic Services Laboratory, University of Chicago
Classification: Uncertain significance. Last evaluated: 2022-06-14. Review status: no assertion criteria provided. Collection method: clinical testing. Allele origin: germline. Affected: no. Not counted in ClinVar's aggregate classification.
Comment: DNA sequence analysis of the INPP5E gene demonstrated a sequence change, c.1544G>A, in exon 7 that results in an amino acid change, p.Arg515Gln. This sequence change has been described in the gnomAD database with a frequency of 0.046% in the European Finnish subpopulation (dbSNP rs752106876). The p.Arg515Gln change affects a poorly conserved amino acid residue located in a domain of the INPP5E protein that is known to be functional. The p.Arg515Gln substitution appears to be benign using several in-silico pathogenicity prediction tools (SIFT, PolyPhen2, Align GVGD, REVEL). This sequence change does not appear to have been previously described in individuals with INPP5E-related disorders. Due to insufficient evidences and the lack of functional studies, the clinical significance of the p.Arg515Gln change remains unknown at this time.

Literature cited by the submitters: PubMed 27081510 (cited by 3billion and Labcorp Genetics (formerly Invitae), Labcorp); PubMed 19668216 (cited by Labcorp Genetics (formerly Invitae), Labcorp); PubMed 28559085 (cited by Labcorp Genetics (formerly Invitae), Labcorp).

NM_019892.6(INPP5E):c.1544G>A (p.Arg515Gln)

Gene: INPP5E (inositol polyphosphate-5-phosphatase E; minus strand). Cytogenetic location: 9q34.3.
Variant type: single nucleotide variant.
Coding change: c.1544G>A on transcript NM_019892.6 (MANE Select); coding-DNA position 1544, G replaced by A.
Protein change: p.Arg515Gln; replaces arginine 515 with glutamine.
Molecular consequence: missense variant.
Genome position (GRCh38, 1-based): chr9:136,431,829, C>T on the plus strand (G>A on the coding strand, the complement: INPP5E is on the minus strand). VCF-style: chr9-136431829-C-T. GRCh37 (hg19) VCF-style: chr9-139326281-C-T.
Other names: c.1541G>A, p.Arg514Gln (NM_001318502.2); short protein forms R514Q, R515Q.
Identifiers: ClinVar variation 1063364 (VCV001063364.10), dbSNP rs752106876, ClinGen allele CA5336759.
Genomic context (GRCh38, chr9:136,431,829, plus strand): 5'-CCCAGGCCCTCACCTCTCCTCATCTCCCTCCATGCCCGCCCCCCCAGGCCCTCACCTTTC[C>T]GCATCTCCCGGATGAGCTGGTCGTGCTGCAGCAGCGCCGGCACGTCCACCACCAGGCCCT-3'
Protein context (NP_063945.2, residues 505-525): LQHDQLIREM[Arg515Gln]KGSIFKGFQE